The following is an entry in ClinVar:

NM_000051.4(ATM):c.332-6A>G

Gene: ATM (ATM serine/threonine kinase; plus strand). Cytogenetic location: 11q22.3.
Variant type: single nucleotide variant.
Coding change: c.332-6A>G on transcript NM_000051.4 (MANE Select); 6 bases into the intron before coding-DNA position 332, A replaced by G.
Molecular consequence: intron variant.
Genome position (GRCh38, 1-based): chr11:108,235,664, A>G. VCF-style: chr11-108235664-A-G. GRCh37 (hg19) VCF-style: chr11-108106391-A-G.
Other names: c.332-6A>G (NM_001351834.2).
Identifiers: ClinVar variation 3253810 (VCV003253810.1), dbSNP rs2135120601.

ClinVar aggregate classification (germline): Likely benign (1 of 4 stars; one submission).

Conditions:
Familial cancer of breast. Also called: BREAST CANCER, FAMILIAL; Hereditary breast cancer; hereditary breast carcinoma. Identifiers: Orphanet 227535, MedGen C0346153, MONDO:0016419, OMIM 114480. Disease mechanism: loss of function.

Submission:

Myriad Genetics, Inc.
Classification: Likely benign for Familial cancer of breast. Last evaluated: 2024-04-18. Review status: criteria provided, single submitter. Criteria: Myriad Autosomal Dominant, Autosomal Recessive and X-Linked Classification Criteria (2023). Collection method: clinical testing. Allele origin: unknown.
Comment: This variant is considered likely benign. This variant is intronic and is not expected to impact mRNA splicing.